The following is an entry in ClinVar:

ClinVar aggregate classification (germline): Benign/Likely benign. Review status: criteria provided, multiple submitters, no conflicts (2 of 4 stars). 4 submissions from 4 submitters: Benign (2); Likely benign (2). Last evaluated 2026-01-26.

Allele frequency attached by ClinVar (database versions not stated): 1000 Genomes Project 30x 0.01374; gnomAD exomes 0.00097 and 0.00245; ExAC 0.00313; gnomAD 0.00864 and 0.00932; TOPMed 0.01014; ESP Exome Variant Server 0.01077; 1000 Genomes Project 0.01218.
gnomAD v4.1: 2,808 of 1,614,250 alleles (0.17%); highest among the groups gnomAD compares: African/African-American, 3%; 40 homozygotes.

Submissions (4):

Labcorp Genetics (formerly Invitae), Labcorp
Classification: Benign. Last evaluated: 2026-01-26. Review status: criteria provided, single submitter. Criteria: Invitae Variant Classification Sherloc (09022015). Collection method: clinical testing. Allele origin: germline.

Mayo Clinic Laboratories, Mayo Clinic
Classification: Benign. Last evaluated: 2023-08-15. Review status: criteria provided, single submitter. Criteria: ACMG Guidelines, 2015. Collection method: clinical testing. Allele origin: germline. Observed: 4 variant alleles.
Comment: BS1, BS2, BP4

GeneDx
Classification: Likely benign. Last evaluated: 2020-03-02. Review status: criteria provided, single submitter. Criteria: GeneDx Variant Classification Process June 2021. Collection method: clinical testing. Allele origin: germline. Affected: yes.

Breakthrough Genomics
Classification: Likely benign. Review status: criteria provided, single submitter. Criteria: ACMG Guidelines, 2015. Collection method: not provided. Allele origin: germline. Inheritance: Autosomal recessive inheritance. Affected: yes.

NM_001424.6(EMP2):c.151A>G (p.Ile51Val)

Gene: EMP2 (epithelial membrane protein 2; minus strand). Cytogenetic location: 16p13.13.
Variant type: single nucleotide variant.
Coding change: c.151A>G on transcript NM_001424.6 (MANE Select); coding-DNA position 151, A replaced by G.
Protein change: p.Ile51Val; replaces isoleucine 51 with valine.
Molecular consequence: missense variant.
Genome position (GRCh38, 1-based): chr16:10,543,588, T>C on the plus strand (A>G on the coding strand, the complement: EMP2 is on the minus strand). VCF-style: chr16-10543588-T-C. GRCh37 (hg19) VCF-style: chr16-10637445-T-C.
Other names: p.Ile51Val; short protein forms I51V.
Identifiers: ClinVar variation 1220016 (VCV001220016.13), dbSNP rs73503834, ClinGen allele CA7897860.